The following is an entry in ClinVar:

NM_001378328.1(CELSR1):c.2710G>A (p.Asp904Asn)

Gene: CELSR1 (cadherin EGF LAG seven-pass G-type receptor 1; minus strand). Cytogenetic location: 22q13.31.
Variant type: single nucleotide variant.
Coding change: c.2710G>A on transcript NM_001378328.1 (MANE Select); coding-DNA position 2710, G replaced by A.
Protein change: p.Asp904Asn; replaces aspartic acid 904 with asparagine.
Molecular consequence: missense variant.
Genome position (GRCh38, 1-based): chr22:46,534,461, C>T on the plus strand (G>A on the coding strand, the complement: CELSR1 is on the minus strand). VCF-style: chr22-46534461-C-T. GRCh37 (hg19) VCF-style: chr22-46930358-C-T.
Other names: c.2710G>A, p.Asp904Asn (NM_014246.4); short protein forms D904N.
Identifiers: ClinVar variation 5034334 (VCV005034334.1).

ClinVar aggregate classification (germline): Uncertain significance (1 of 4 stars; one submission).

gnomAD v4.1: 9 of 1,613,050 alleles (0.00056%); highest among the groups gnomAD compares: Middle Eastern, 0.033%; no homozygotes.

Submission:

Ambry Genetics
Classification: Uncertain significance. Last evaluated: 2026-07-14. Review status: criteria provided, single submitter. Criteria: Ambry Variant Classification Scheme 2023. Collection method: clinical testing. Allele origin: germline.
Comment: The c.2710G>A (p.D904N) alteration is located in exon 1 (coding exon 1) of the CELSR1 gene. This alteration results from a G to A substitution at nucleotide position 2710, causing the aspartic acid (D) at amino acid position 904 to be replaced by an asparagine (N). Based on data from gnomAD, the A allele has an overall frequency of <0.001% (1/250056) total alleles studied. The highest observed frequency was 0.006% (1/16092) of African alleles. Based on insufficient or conflicting evidence, the clinical significance of this alteration remains unclear.